The following is an entry in ClinVar:

NM_014844.5(TECPR2):c.3793G>A (p.Ala1265Thr)

Gene: TECPR2 (tectonin beta-propeller repeat containing 2; plus strand). Cytogenetic location: 14q32.31.
Variant type: single nucleotide variant.
Coding change: c.3793G>A on transcript NM_014844.5 (MANE Select); coding-DNA position 3793, G replaced by A.
Protein change: p.Ala1265Thr; replaces alanine 1265 with threonine.
Molecular consequence: missense variant.
Genome position (GRCh38, 1-based): chr14:102,496,982, G>A. VCF-style: chr14-102496982-G-A. GRCh37 (hg19) VCF-style: chr14-102963319-G-A.
Other names: short protein forms A1265T.
Identifiers: ClinVar variation 664110 (VCV000664110.8), dbSNP rs140840591, ClinGen allele CA7358355.

ClinVar aggregate classification (germline): Uncertain significance. Review status: criteria provided, multiple submitters, no conflicts (2 of 4 stars). 4 submissions from 4 submitters: Uncertain significance (3). 1 of the submissions does not count toward it. Last evaluated 2024-09-03.

Conditions:
Hereditary spastic paraplegia 49 (HSAN9). Also called: NEUROPATHY, HEREDITARY SENSORY AND AUTONOMIC, TYPE IX, WITH DEVELOPMENTAL DELAY; Spastic paraplegia 49, autosomal recessive; TECPR2-Related Hereditary Sensory and Autonomic Neuropathy with Intellectual Disability. Identifiers: Orphanet 320385, MedGen C5190860, MONDO:0014016, OMIM 615031.
Inborn genetic diseases. Identifiers: MedGen C0950123, MeSH D030342.

Allele frequency attached by ClinVar (database versions not stated): ESP Exome Variant Server 0.00023; TOPMed 0.00005.
gnomAD v4.1: 191 of 1,613,378 alleles (0.012%); highest among the groups gnomAD compares: Non-Finnish European, 0.016%; no homozygotes.

Submissions (4):

Ambry Genetics
Classification: Uncertain significance for Inborn genetic diseases. Last evaluated: 2024-09-03. Review status: criteria provided, single submitter. Criteria: Ambry Variant Classification Scheme 2023. Collection method: clinical testing. Allele origin: germline.

Labcorp Genetics (formerly Invitae), Labcorp
Classification: Uncertain significance for Hereditary spastic paraplegia 49. Last evaluated: 2022-06-22. Review status: criteria provided, single submitter. Criteria: Invitae Variant Classification Sherloc (09022015). Collection method: clinical testing. Allele origin: germline.
Comment: This sequence change replaces alanine, which is neutral and non-polar, with threonine, which is neutral and polar, at codon 1265 of the TECPR2 protein (p.Ala1265Thr). This variant is present in population databases (rs140840591, gnomAD 0.006%). This variant has not been reported in the literature in individuals affected with TECPR2-related conditions. ClinVar contains an entry for this variant (Variation ID: 664110). Algorithms developed to predict the effect of missense changes on protein structure and function output the following: SIFT: "Tolerated"; PolyPhen-2: "Benign"; Align-GVGD: "Class C0". The threonine amino acid residue is found in multiple mammalian species, which suggests that this missense change does not adversely affect protein function. In summary, the available evidence is currently insufficient to determine the role of this variant in disease. Therefore, it has been classified as a Variant of Uncertain Significance.

Baylor Genetics
Classification: Uncertain significance for Hereditary spastic paraplegia 49. Last evaluated: 2018-10-12. Review status: criteria provided, single submitter. Criteria: ACMG Guidelines, 2015. Collection method: clinical testing. Allele origin: unknown. Affected: yes.
Comment: This variant was determined to be of uncertain significance according to ACMG Guidelines, 2015 [PMID:25741868].

Natera, Inc.
Classification: Uncertain significance for Autosomal recessive spastic paraplegia type 49. Last evaluated: 2020-09-16. Review status: no assertion criteria provided. Collection method: clinical testing. Allele origin: germline. Not counted in ClinVar's aggregate classification.